The following is an entry in ClinVar:

ClinVar aggregate classification (germline): Uncertain significance (1 of 4 stars; one submission).

gnomAD v4.1: 1 of 1,613,870 alleles (0.000062%); highest among the groups gnomAD compares: East Asian, 0.0022%; no homozygotes.

Submission:

Dasa
Classification: Uncertain significance. Last evaluated: 2025-11-27. Review status: criteria provided, single submitter. Criteria: DASA Assertion Criteria. Collection method: clinical testing. Allele origin: germline.
Comment: NM_001394062.1(MACF1):c.3433A>G (p.Thr1145Ala) is a missense variant that results in the substitution of threonine with alanine. This variant is rare in population databases. Computational prediction algorithms are consistent with a benign effect. The currently available literature and clinical evidence are not sufficient to establish a definitive association between this variant and the reported condition. Therefore, this variant is classified as a variant of uncertain significance.

NM_001394062.1(MACF1):c.3433A>G (p.Thr1145Ala)

Gene: MACF1 (microtubule actin crosslinking factor 1; plus strand). Cytogenetic location: 1p34.3.
Variant type: single nucleotide variant.
Coding change: c.3433A>G on transcript NM_001394062.1 (MANE Select); coding-DNA position 3433, A replaced by G.
Protein change: p.Thr1145Ala; replaces threonine 1145 with alanine.
Molecular consequence: missense variant.
Genome position (GRCh38, 1-based): chr1:39,315,675, A>G. VCF-style: chr1-39315675-A-G. GRCh37 (hg19) VCF-style: chr1-39781347-A-G.
Other names: c.3448A>G, p.Thr1150Ala (NM_012090.5); short protein forms T1145A, T1150A.
Identifiers: ClinVar variation 4881752 (VCV004881752.2).